The following is an entry in ClinVar:

ClinVar aggregate classification (germline): Uncertain significance (1 of 4 stars; one submission).

gnomAD v4.1: 2 of 1,614,226 alleles (0.00012%); highest among the groups gnomAD compares: Non-Finnish European, 0.00017%; no homozygotes.

Submission:

CeGaT Center for Human Genetics Tuebingen
Classification: Uncertain significance. Last evaluated: 2022-11-01. Review status: criteria provided, single submitter. Criteria: CeGaT Center For Human Genetics Tuebingen Variant Classification Criteria Version 2. Collection method: clinical testing. Allele origin: germline. Affected: yes. Observed: 1 variant allele.
Comment: KCNJ6: PM2, PP2

NM_002240.5(KCNJ6):c.128A>G (p.His43Arg)

Genes: KCNJ6 (potassium inwardly rectifying channel subfamily J member 6; minus strand), KCNJ6-AS1 (KCNJ6 antisense RNA 1; plus strand). Cytogenetic location: 21q22.13.
Variant type: single nucleotide variant.
Coding change: c.128A>G on transcript NM_002240.5 (MANE Select); coding-DNA position 128, A replaced by G.
Protein change: p.His43Arg; replaces histidine 43 with arginine.
Molecular consequence: missense variant. On other transcripts: non-coding transcript variant (1).
Genome position (GRCh38, 1-based): chr21:37,715,029, T>C on the plus strand (A>G on the coding strand, the complement: KCNJ6 is on the minus strand). VCF-style: chr21-37715029-T-C. GRCh37 (hg19) VCF-style: chr21-39087332-T-C.
Other names: short protein forms H43R.
Identifiers: ClinVar variation 2652662 (VCV002652662.24), dbSNP rs1291800711, ClinGen allele CA409969521.